The following is an entry in ClinVar:

NM_000059.4(BRCA2):c.6152A>G (p.Asn2051Ser)

Gene: BRCA2 (BRCA2 DNA repair associated; plus strand). Cytogenetic location: 13q13.1.
Variant type: single nucleotide variant.
Coding change: c.6152A>G on transcript NM_000059.4 (MANE Select); coding-DNA position 6152, A replaced by G.
Protein change: p.Asn2051Ser; replaces asparagine 2051 with serine.
Molecular consequence: missense variant.
Genome position (GRCh38, 1-based): chr13:32,340,507, A>G. VCF-style: chr13-32340507-A-G. GRCh37 (hg19) VCF-style: chr13-32914644-A-G.
Other names: short protein forms N2051S.
Identifiers: ClinVar variation 91439 (VCV000091439.21), dbSNP rs398122549, ClinGen allele CA023700.
Genomic context (GRCh38, chr13:32,340,507, plus strand): 5'-CTGCTATACGTACTCCAGAACATTTAATATCCCAAAAAGGCTTTTCATATAATGTGGTAA[A>G]TTCATCTGCTTTCTCTGGATTTAGTACAGCAAGTGGAAAGCAAGTTTCCATTTTAGAAAG-3'
Protein context (NP_000050.3, residues 2041-2061): SQKGFSYNVV[Asn2051Ser]SSAFSGFSTA

ClinVar aggregate classification (germline): Conflicting classifications of pathogenicity. Review status: criteria provided, conflicting classifications (1 of 4 stars). 8 submissions from 8 submitters: Uncertain significance (6); Likely benign (1). 1 of the submissions does not count toward it. Last evaluated 2025-02-04.

Conditions:
Hereditary breast ovarian cancer syndrome. Also called: Breast and ovarian cancer; Hereditary breast and ovarian cancer; Hereditary breast and ovarian cancer syndrome; BRCA1- and BRCA2-Associated Hereditary Breast and Ovarian Cancer; Hereditary breast and ovarian cancer syndrome (HBOC); Hereditary breast and/or ovarian cancer syndrome. Identifiers: Orphanet 145, MedGen C0677776, MeSH D061325, MONDO:0003582. Disease mechanism: loss of function.
Hereditary cancer-predisposing syndrome. Also called: Tumor predisposition; Hereditary Cancer Syndrome; Neoplastic Syndromes, Hereditary; Hereditary neoplastic syndrome. Identifiers: Orphanet 140162, MedGen C0027672, MeSH D009386, MONDO:0015356.
Breast-ovarian cancer, familial, susceptibility to, 2 (BROVCA2). Also called: BRCA2 Hereditary Breast and Ovarian Cancer. Identifiers: Orphanet 145, MedGen C2675520, MONDO:0012933, OMIM 612555. Disease mechanism: loss of function.

Submissions (8):

GeneDx
Classification: Uncertain significance. Last evaluated: 2025-02-04. Review status: criteria provided, single submitter. Criteria: GeneDx Variant Classification Process June 2021. Collection method: clinical testing. Allele origin: germline. Affected: yes.
Comment: Observed in an individual with breast and/or ovarian cancer (PMID: 29470806); In silico analysis indicates that this missense variant does not alter protein structure/function; Not observed at significant frequency in large population cohorts (gnomAD); Also known as 6380A>G; This variant is associated with the following publications: (PMID: 29470806, 31853058, 29884841, 32377563)

University of Washington Department of Laboratory Medicine, University of Washington
Classification: Likely benign for Hereditary cancer-predisposing syndrome. Last evaluated: 2023-03-23. Review status: criteria provided, single submitter. Criteria: Dines et al. (Genet Med. 2020). Collection method: curation. Allele origin: germline.
Comment: Missense variant in a coldspot region where missense variants are very unlikely to be pathogenic (PMID:31911673).

BRCA2 exon 11 coldspot. Reclassification based on statistical prior probability.

Labcorp Genetics (formerly Invitae), Labcorp
Classification: Uncertain significance for Hereditary breast ovarian cancer syndrome. Last evaluated: 2023-03-09. Review status: criteria provided, single submitter. Criteria: Invitae Variant Classification Sherloc (09022015). Collection method: clinical testing. Allele origin: germline.
Comment: This sequence change replaces asparagine, which is neutral and polar, with serine, which is neutral and polar, at codon 2051 of the BRCA2 protein (p.Asn2051Ser). This variant is not present in population databases (gnomAD no frequency). This missense change has been observed in individual(s) with breast and/or ovarian cancer (PMID: 29470806). ClinVar contains an entry for this variant (Variation ID: 91439). Advanced modeling of protein sequence and biophysical properties (such as structural, functional, and spatial information, amino acid conservation, physicochemical variation, residue mobility, and thermodynamic stability) performed at Invitae indicates that this missense variant is not expected to disrupt BRCA2 protein function. In summary, the available evidence is currently insufficient to determine the role of this variant in disease. Therefore, it has been classified as a Variant of Uncertain Significance.

All of Us Research Program, National Institutes of Health
Classification: Uncertain significance for Breast-ovarian cancer, familial, susceptibility to, 2. Last evaluated: 2022-12-16. Review status: criteria provided, single submitter. Criteria: ACMG Guidelines, 2015. Collection method: clinical testing. Allele origin: germline. Inheritance: Autosomal dominant inheritance. Observed: 1 variant allele, 1 heterozygote.
Comment: This study involves interpretation of variants in research participants for the purpose of population health screening. Participant phenotype was not available at the time of variant classification. Additional details can be found in publication PMID: 35346344, PMCID: PMC8962531

Ambry Genetics
Classification: Uncertain significance for Hereditary cancer-predisposing syndrome. Last evaluated: 2022-01-03. Review status: criteria provided, single submitter. Criteria: Ambry Variant Classification Scheme 2023. Collection method: clinical testing. Allele origin: germline.
Comment: The p.N2051S variant (also known as c.6152A>G), located in coding exon 10 of the BRCA2 gene, results from an A to G substitution at nucleotide position 6152. The asparagine at codon 2051 is replaced by serine, an amino acid with highly similar properties. This alteration has been reported as a variant of unknown significance in a cohort of 1010 unrelated patients and families from across India with an indication of breast and/or ovarian cancers (Singh J et al. Breast Cancer Res. Treat., 2018 Jul;170:189-196). This amino acid position is poorly conserved in available vertebrate species. In addition, this alteration is predicted to be tolerated by in silico analysis. Since supporting evidence is limited at this time, the clinical significance of this alteration remains unclear.

Color Diagnostics, LLC DBA Color Health
Classification: Uncertain significance for Hereditary cancer-predisposing syndrome. Last evaluated: 2019-06-05. Review status: criteria provided, single submitter. Criteria: ACMG Guidelines, 2015. Collection method: clinical testing. Allele origin: germline.

Mendelics
Classification: Uncertain significance for Breast-ovarian cancer, familial, susceptibility to, 2. Last evaluated: 2019-05-28. Review status: criteria provided, single submitter. Criteria: Mendelics Assertion Criteria 2017. Collection method: clinical testing. Allele origin: unknown.

Sharing Clinical Reports Project (SCRP)
Classification: Uncertain significance for Breast-ovarian cancer, familial 2. Last evaluated: 2006-09-01. Review status: no assertion criteria provided. Collection method: clinical testing. Allele origin: germline. Not counted in ClinVar's aggregate classification.

Literature cited by the submitters: PubMed 29470806 (cited by Labcorp Genetics (formerly Invitae), Labcorp and Ambry Genetics).